The following is an entry in ClinVar:

NM_002691.4(POLD1):c.1204G>T (p.Asp402Tyr)

Gene: POLD1 (DNA polymerase delta 1, catalytic subunit; plus strand). Cytogenetic location: 19q13.33.
Variant type: single nucleotide variant.
Coding change: c.1204G>T on transcript NM_002691.4 (MANE Select); coding-DNA position 1204, G replaced by T.
Protein change: p.Asp402Tyr; replaces aspartic acid 402 with tyrosine.
Molecular consequence: missense variant. On other transcripts: non-coding transcript variant (1).
Genome position (GRCh38, 1-based): chr19:50,403,559, G>T. VCF-style: chr19-50403559-G-T. GRCh37 (hg19) VCF-style: chr19-50906816-G-T.
Other names: c.1204G>T, p.Asp402Tyr (NM_001256849.1, NM_001308632.1); short protein forms D402Y.
Identifiers: ClinVar variation 818590 (VCV000818590.11), dbSNP rs1426325954, ClinGen allele CA406978572.
Genomic context (GRCh38, chr19:50,403,559, plus strand): 5'-TCCACCTTCATCCGTATCATGGACCCCGACGTGATCACCGGTTACAACATCCAGAACTTC[G>T]ACCTTCCGTACCTCATCTCTCGGGCCCAGACCCTCAAGGTGAGGGCTGGGCAGGTGGGAG-3'
Protein context (NP_002682.2, residues 392-412): VITGYNIQNF[Asp402Tyr]LPYLISRAQT

ClinVar aggregate classification (germline): Uncertain significance. Review status: criteria provided, multiple submitters, no conflicts (2 of 4 stars). 2 submissions from 2 submitters: Uncertain significance (2). Last evaluated 2025-01-07.

Conditions:
POLD1-related polyposis and colorectal cancer syndrome (CRCS10). Also called: Colorectal cancer, susceptibility to, 10; Colorectal cancer 10; COLORECTAL CANCER, SUSCEPTIBILITY TO, ON CHROMOSOME 19q. Identifiers: Orphanet 220460, MedGen C2675481, MONDO:0012953, OMIM 612591.
Hereditary cancer-predisposing syndrome. Also called: Hereditary Cancer Syndrome; Hereditary neoplastic syndrome; Neoplastic Syndromes, Hereditary; Tumor predisposition. Identifiers: Orphanet 140162, MedGen C0027672, MeSH D009386, MONDO:0015356.

gnomAD v4.1: 2 of 1,613,840 alleles (0.00012%); highest among the groups gnomAD compares: African/African-American, 0.0013%; no homozygotes.

Submissions (2):

Labcorp Genetics (formerly Invitae), Labcorp
Classification: Uncertain significance for POLD1-related polyposis and colorectal cancer syndrome. Last evaluated: 2025-01-07. Review status: criteria provided, single submitter. Criteria: Invitae Variant Classification Sherloc (09022015). Collection method: clinical testing. Allele origin: germline.
Comment: This sequence change replaces aspartic acid, which is acidic and polar, with tyrosine, which is neutral and polar, at codon 402 of the POLD1 protein (p.Asp402Tyr). This variant is not present in population databases (gnomAD no frequency). This variant has not been reported in the literature in individuals affected with POLD1-related conditions. ClinVar contains an entry for this variant (Variation ID: 818590). Invitae Evidence Modeling of protein sequence and biophysical properties (such as structural, functional, and spatial information, amino acid conservation, physicochemical variation, residue mobility, and thermodynamic stability) indicates that this missense variant is expected to disrupt POLD1 protein function with a positive predictive value of 80%. In summary, the available evidence is currently insufficient to determine the role of this variant in disease. Therefore, it has been classified as a Variant of Uncertain Significance.

Ambry Genetics
Classification: Uncertain significance for Hereditary cancer-predisposing syndrome. Last evaluated: 2024-03-05. Review status: criteria provided, single submitter. Criteria: Ambry Variant Classification Scheme 2023. Collection method: clinical testing. Allele origin: germline.
Comment: The p.D402Y variant (also known as c.1204G>T), located in coding exon 9 of the POLD1 gene, results from a G to T substitution at nucleotide position 1204. The aspartic acid at codon 402 is replaced by tyrosine, an amino acid with highly dissimilar properties. This amino acid position is highly conserved in available vertebrate species. In addition, this alteration is predicted to be deleterious by in silico analysis. Since supporting evidence is limited at this time, the clinical significance of this alteration remains unclear.